The following is an entry in ClinVar:

NM_020738.4(KIDINS220):c.4424C>G (p.Pro1475Arg)

Gene: KIDINS220 (kinase D interacting substrate 220; minus strand). Cytogenetic location: 2p25.1.
Variant type: single nucleotide variant.
Coding change: c.4424C>G on transcript NM_020738.4 (MANE Select); coding-DNA position 4424, C replaced by G.
Protein change: p.Pro1475Arg; replaces proline 1475 with arginine.
Molecular consequence: missense variant. On other transcripts: intron variant (6).
Genome position (GRCh38, 1-based): chr2:8,731,612, G>C on the plus strand (C>G on the coding strand, the complement: KIDINS220 is on the minus strand). VCF-style: chr2-8731612-G-C. GRCh37 (hg19) VCF-style: chr2-8871742-G-C.
Other names: c.4427C>G, p.Pro1476Arg (NM_001348729.2); c.4370C>G, p.Pro1457Arg (NM_001348731.2); c.4367C>G, p.Pro1456Arg (NM_001348732.2); c.4256C>G, p.Pro1419Arg (NM_001348734.2); c.4253C>G, p.Pro1418Arg (NM_001348735.2); c.4127C>G, p.Pro1376Arg (NM_001348736.2); c.3882+1832C>G (NM_001348741.2, NM_001348742.2, NM_001348743.2); c.3996+1832C>G (NM_001348738.2); and 1 more; short protein forms P1376R, P1418R, P1419R, P1456R, P1457R, P1475R, P1476R.
Identifiers: ClinVar variation 3346300 (VCV003346300.1).

ClinVar aggregate classification (germline): Uncertain significance (0 of 4 stars; one submission).

Conditions:
KIDINS220-related disorder. Also called: KIDINS220-related condition.

Submission:

PreventionGenetics, part of Exact Sciences
Classification: Uncertain significance for KIDINS220-related condition. Last evaluated: 2024-08-20. Review status: no assertion criteria provided. Collection method: clinical testing. Allele origin: germline.
Comment: The KIDINS220 c.4424C>G variant is predicted to result in the amino acid substitution p.Pro1475Arg. To our knowledge, this variant has not been reported in the literature or in a large population database, indicating this variant is rare. At this time, the clinical significance of this variant is uncertain due to the absence of conclusive functional and genetic evidence.